The following is an entry in ClinVar:

ClinVar aggregate classification (germline): Uncertain significance. Review status: criteria provided, multiple submitters, no conflicts (2 of 4 stars). 2 submissions from 2 submitters: Uncertain significance (2). Last evaluated 2022-09-07.

Conditions:
Immunodeficiency 35 (IMD35). Also called: TYK2 DEFICIENCY; Susceptibility to infection due to TYK2 deficiency; HIES WITH ATYPICAL MYCOBACTERIOSIS, AUTOSOMAL RECESSIVE; HYPER-IgE SYNDROME WITH ATYPICAL MYCOBACTERIOSIS, AUTOSOMAL RECESSIVE. Identifiers: Orphanet 331226, MedGen C1969086, MONDO:0012682, OMIM 611521.

Allele frequency attached by ClinVar (database versions not stated): gnomAD exomes 0.00002; ExAC 0.00003; gnomAD 0.00004 and 0.00006; TOPMed 0.00008.
gnomAD v4.1: 72 of 1,612,774 alleles (0.0045%); highest among the groups gnomAD compares: African/African-American, 0.016%; no homozygotes.

Submissions (2):

Labcorp Genetics (formerly Invitae), Labcorp
Classification: Uncertain significance for Immunodeficiency 35. Last evaluated: 2022-09-07. Review status: criteria provided, single submitter. Criteria: Invitae Variant Classification Sherloc (09022015). Collection method: clinical testing. Allele origin: germline.
Comment: This sequence change replaces glycine, which is neutral and non-polar, with arginine, which is basic and polar, at codon 40 of the TYK2 protein (p.Gly40Arg). This variant is present in population databases (rs763286803, gnomAD 0.01%). This variant has not been reported in the literature in individuals affected with TYK2-related conditions. ClinVar contains an entry for this variant (Variation ID: 1424322). Algorithms developed to predict the effect of missense changes on protein structure and function output the following: SIFT: "Not Available"; PolyPhen-2: "Benign"; Align-GVGD: "Not Available". The arginine amino acid residue is found in multiple mammalian species, which suggests that this missense change does not adversely affect protein function. In summary, the available evidence is currently insufficient to determine the role of this variant in disease. Therefore, it has been classified as a Variant of Uncertain Significance.

Breakthrough Genomics
Classification: Uncertain significance. Review status: criteria provided, single submitter. Criteria: ACMG Guidelines, 2015. Collection method: not provided. Allele origin: germline. Inheritance: Autosomal recessive inheritance. Affected: yes.

NM_003331.5(TYK2):c.118G>A (p.Gly40Arg)

Gene: TYK2 (tyrosine kinase 2; minus strand). Cytogenetic location: 19p13.2.
Variant type: single nucleotide variant.
Coding change: c.118G>A on transcript NM_003331.5 (MANE Select); coding-DNA position 118, G replaced by A.
Protein change: p.Gly40Arg; replaces glycine 40 with arginine.
Molecular consequence: missense variant.
Genome position (GRCh38, 1-based): chr19:10,378,289, C>T on the plus strand (G>A on the coding strand, the complement: TYK2 is on the minus strand). VCF-style: chr19-10378289-C-T. GRCh37 (hg19) VCF-style: chr19-10488965-C-T.
Other names: c.118G>A, p.Gly40Arg (NM_001385197.1, NM_001385198.1, NM_001385199.1 and 8 more transcripts); short protein forms G40R.
Identifiers: ClinVar variation 1424322 (VCV001424322.6), dbSNP rs763286803, ClinGen allele CA9193884.